The following is an entry in ClinVar:

NM_004168.4(SDHA):c.1556T>A (p.Met519Lys)

Gene: SDHA (succinate dehydrogenase complex flavoprotein subunit A; plus strand). Cytogenetic location: 5p15.33.
Variant type: single nucleotide variant.
Coding change: c.1556T>A on transcript NM_004168.4 (MANE Select); coding-DNA position 1556, T replaced by A.
Protein change: p.Met519Lys; replaces methionine 519 with lysine.
Molecular consequence: missense variant. On other transcripts: intron variant (1).
Genome position (GRCh38, 1-based): chr5:250,996, T>A. VCF-style: chr5-250996-T-A. GRCh37 (hg19) VCF-style: chr5-251111-T-A.
Other names: c.1412T>A, p.Met471Lys (NM_001294332.2); c.1552-3397T>A (NM_001330758.2); short protein forms M471K, M519K.
Identifiers: ClinVar variation 2580584 (VCV002580584.1), dbSNP rs377706701, ClinGen allele CA358998413.
Genomic context (GRCh38, chr5:250,996, plus strand): 5'-CTTGGTATGGCTGCTTCTATGGATTAAAAGTTTACAAATAATATTTTGTGCCACAGTCAA[T>A]GCAAAATCATGCTGCCGTGTTCCGTGTGGGAAGCGTGTTGCAAGAAGGTTGTGGGAAAAT-3'
Protein context (NP_004159.2, residues 509-529): SELRLSMQKS[Met519Lys]QNHAAVFRVG

ClinVar aggregate classification (germline): Uncertain significance (1 of 4 stars; one submission).

Submission:

GeneDx
Classification: Uncertain significance. Last evaluated: 2023-03-15. Review status: criteria provided, single submitter. Criteria: GeneDx Variant Classification Process June 2021. Collection method: clinical testing. Allele origin: germline. Affected: yes.
Comment: Not observed at significant frequency in large population cohorts (gnomAD); In silico analysis supports that this missense variant has a deleterious effect on protein structure/function; Has not been previously published as pathogenic or benign to our knowledge